The following is an entry in ClinVar:

ClinVar aggregate classification (germline): Pathogenic/Likely pathogenic. Review status: criteria provided, multiple submitters, no conflicts (2 of 4 stars). 3 submissions from 3 submitters: Pathogenic (1); Likely pathogenic (2). Last evaluated 2026-09-08.

Conditions:
Cardiovascular phenotype. Identifiers: MedGen CN230736.
Fabry disease. Also called: Fabry's disease; Ceramide trihexosidosis; Angiokeratoma corporis diffusum; ALPHA-GALACTOSIDASE A DEFICIENCY; ANDERSON-FABRY DISEASE; CERAMIDE TRIHEXOSIDASE DEFICIENCY. Identifiers: Orphanet 324, MedGen C0002986, MONDO:0010526, OMIM 301500, HP:0001071. Disease mechanism: Fabry disease is due to inactivating mutations in the X-linked GLA gene resulting in deficiency of the enzyme Alpha Galactosidase-A., loss of function.
Hypertrophic cardiomyopathy. Also called: HYPERTROPHIC MYOCARDIOPATHY. Identifiers: Orphanet 217569, MedGen C0007194, MeSH D002312, MONDO:0005045, HP:0001639.

Submissions (3):

Genomenon, Inc
Classification: Pathogenic for Fabry disease. Last evaluated: 2026-09-08. Review status: criteria provided, single submitter. Criteria: Genomenon Sequence Variant Interpretation Standards - Updated. Collection method: curation. Allele origin: germline. Affected: yes.
Comment: GLA p.Cys223Arg (c.667T>C) is a missense variant that changes the amino acid at codon 223 from Cysteine to Arginine. This variant has been observed in at least one proband with clinical features consistent with Fabry disease (PMID:27560961;28507907;12175777;38002959;36879801). At least one functional study has demonstrated a substantial alteration in protein function relative to the wild-type (PMID:27657681). This variant is located in a mutational hotspot and/or important functional domain. It is absent or not present at a significant frequency in gnomAD. In silico models predict that this variant is possibly or probably damaging. In conclusion, we classify GLA p.Cys223Arg (c.667T>C) as a pathogenic variant.

Ambry Genetics
Classification: Likely pathogenic for Cardiovascular phenotype. Last evaluated: 2016-02-08. Review status: criteria provided, single submitter. Criteria: Ambry Variant Classification Scheme 2023. Collection method: clinical testing. Allele origin: germline.
Comment: The p.C223R variant (also known as c.667T>C), located in coding exon 5 of the GLA gene, results from a T to C substitution at nucleotide position 667. The cysteine at codon 223 is replaced by arginine, an amino acid with highly dissimilar properties. In addition, other alterations affecting the same amino acid (p.C223G (c.667T>G) and p.C223Y (c.668G>A)) have also been reported in association with Fabry disease (Germain DP et al. Biochem Biophys Res Commun. 1999;257(3):708-13; Shabbeer J et al. Mol Genet Metab. 2002;76(1):23-30). Furthermore, structural analyses indicate this variant destabilizes a known disulfide bond, likely resulting in significant destabilization of folding in the region (Garman SC et al. J Mol Biol. 2004;337(2):319-35; Saito S et al. PLoS ONE. 2013;8(12):e84267). This variant was not reported in population based cohorts in the following databases: Database of Single Nucleotide Polymorphisms (dbSNP), NHLBI Exome Sequencing Project (ESP), and 1000 Genomes Project. In the ESP, this variant was not observed in 6503 samples with coverage at this position. This amino acid position is highly conserved in available vertebrate species. In addition, this alteration is predicted to be deleterious by in silico analysis. Based on the majority of available evidence to date, this variant is likely to be pathogenic.

Knight Diagnostic Laboratories, Oregon Health and Sciences University
Classification: Likely pathogenic for Cardiomyopathy, hypertrophic. Last evaluated: 2016-01-20. Review status: criteria provided, single submitter. Criteria: ACMG Guidelines, 2015. Collection method: clinical testing. Allele origin: germline. Observed: 1 variant allele.

Literature cited by the submitters: PubMed 27560961 (cited by Genomenon, Inc); PubMed 28507907 (cited by Genomenon, Inc); PubMed 12175777 (cited by Genomenon, Inc and Ambry Genetics); PubMed 38002959 (cited by Genomenon, Inc); PubMed 36879801 (cited by Genomenon, Inc); PubMed 27657681 (cited by Genomenon, Inc); PubMed 10208848 (cited by Ambry Genetics); PubMed 15003450 (cited by Ambry Genetics); PubMed 15712228 (cited by Ambry Genetics); PubMed 24386359 (cited by Ambry Genetics).

NM_000169.3(GLA):c.667T>C (p.Cys223Arg)

Genes: GLA (galactosidase alpha; minus strand), RPL36A-HNRNPH2 (RPL36A-HNRNPH2 readthrough; plus strand). Cytogenetic location: Xq22.1.
Variant type: single nucleotide variant.
Coding change: c.667T>C on transcript NM_000169.3 (MANE Select); coding-DNA position 667, T replaced by C.
Protein change: p.Cys223Arg; replaces cysteine 223 with arginine.
Molecular consequence: missense variant. On other transcripts: non-coding transcript variant (3), intron variant (2).
Genome position (GRCh38, 1-based): chrX:101,398,919, A>G on the plus strand (T>C on the coding strand, the complement: GLA is on the minus strand). VCF-style: chrX-101398919-A-G. GRCh37 (hg19) VCF-style: chrX-100653907-A-G.
Other names: c.790T>C, p.Cys264Arg (NM_001406747.1); c.667T>C, p.Cys223Arg (NM_001406748.1); c.300+3462A>G (NM_001199973.2); c.177+7097A>G (NM_001199974.2); short protein forms C223R, C264R.
Identifiers: ClinVar variation 520264 (VCV000520264.9), dbSNP rs869312381, ClinGen allele CA413925007.